The following is an entry in ClinVar:

NM_015202.5(KATNIP):c.4403C>T (p.Thr1468Ile)

Gene: KATNIP (katanin interacting protein; plus strand). Cytogenetic location: 16p12.1.
Variant type: single nucleotide variant.
Coding change: c.4403C>T on transcript NM_015202.5 (MANE Select); coding-DNA position 4403, C replaced by T.
Protein change: p.Thr1468Ile; replaces threonine 1468 with isoleucine.
Molecular consequence: missense variant.
Genome position (GRCh38, 1-based): chr16:27,775,038, C>T. VCF-style: chr16-27775038-C-T. GRCh37 (hg19) VCF-style: chr16-27786359-C-T.
Other names: short protein forms T1468I.
Identifiers: ClinVar variation 2124612 (VCV002124612.4), dbSNP rs888265684, ClinGen allele CA279745048.

ClinVar aggregate classification (germline): Uncertain significance (1 of 4 stars; one submission).

gnomAD v4.1: 2 of 1,613,436 alleles (0.00012%); highest among the groups gnomAD compares: African/African-American, 0.0027%; no homozygotes.

Submission:

Labcorp Genetics (formerly Invitae), Labcorp
Classification: Uncertain significance. Last evaluated: 2023-08-04. Review status: criteria provided, single submitter. Criteria: Invitae Variant Classification Sherloc (09022015). Collection method: clinical testing. Allele origin: germline.
Comment: In summary, the available evidence is currently insufficient to determine the role of this variant in disease. Therefore, it has been classified as a Variant of Uncertain Significance. An algorithm developed to predict the effect of missense changes on protein structure and function (PolyPhen-2) suggests that this variant is likely to be disruptive. ClinVar contains an entry for this variant (Variation ID: 2124612). This variant has not been reported in the literature in individuals affected with KIAA0556-related conditions. This variant is not present in population databases (gnomAD no frequency). This sequence change replaces threonine, which is neutral and polar, with isoleucine, which is neutral and non-polar, at codon 1468 of the KIAA0556 protein (p.Thr1468Ile).